The following is an entry in ClinVar:

ClinVar aggregate classification (germline): Uncertain significance. Review status: criteria provided, multiple submitters, no conflicts (2 of 4 stars). 3 submissions from 3 submitters: Uncertain significance (3). Last evaluated 2025-11-06.

Conditions:
Hereditary cancer-predisposing syndrome. Also called: Tumor predisposition; Neoplastic Syndromes, Hereditary; Hereditary neoplastic syndrome; Hereditary Cancer Syndrome. Identifiers: Orphanet 140162, MedGen C0027672, MeSH D009386, MONDO:0015356.
Familial cancer of breast. Also called: Hereditary breast cancer; BREAST CANCER, FAMILIAL; hereditary breast carcinoma. Identifiers: Orphanet 227535, MedGen C0346153, MONDO:0016419, OMIM 114480. Disease mechanism: loss of function.

Submissions (3):

Ambry Genetics
Classification: Uncertain significance for Hereditary cancer-predisposing syndrome. Last evaluated: 2025-11-06. Review status: criteria provided, single submitter. Criteria: Ambry Variant Classification Scheme 2023. Collection method: clinical testing. Allele origin: germline.
Comment: The p.L47V variant (also known as c.139C>G), located in coding exon 1 of the BARD1 gene, results from a C to G substitution at nucleotide position 139. The leucine at codon 47 is replaced by valine, an amino acid with highly similar properties. This amino acid position is well conserved in available vertebrate species. In addition, this alteration is predicted to be tolerated by in silico analysis. Based on the available evidence, the clinical significance of this variant remains unclear.

Labcorp Genetics (formerly Invitae), Labcorp
Classification: Uncertain significance for Familial cancer of breast. Last evaluated: 2025-08-17. Review status: criteria provided, single submitter. Criteria: Invitae Variant Classification Sherloc (09022015). Collection method: clinical testing. Allele origin: germline.
Comment: This sequence change replaces leucine, which is neutral and non-polar, with valine, which is neutral and non-polar, at codon 47 of the BARD1 protein (p.Leu47Val). This variant is not present in population databases (gnomAD no frequency). This variant has not been reported in the literature in individuals affected with BARD1-related conditions. ClinVar contains an entry for this variant (Variation ID: 1019933). An algorithm developed to predict the effect of missense changes on protein structure and function (PolyPhen-2) suggests that this variant is likely to be disruptive. RNA analysis performed to evaluate the impact of this missense change on mRNA splicing indicates it does not significantly alter splicing (internal data). In summary, the available evidence is currently insufficient to determine the role of this variant in disease. Therefore, it has been classified as a Variant of Uncertain Significance.

Baylor Genetics
Classification: Uncertain significance for Familial cancer of breast. Last evaluated: 2023-09-11. Review status: criteria provided, single submitter. Criteria: ACMG Guidelines, 2015. Collection method: clinical testing. Allele origin: unknown.

NM_000465.4(BARD1):c.139C>G (p.Leu47Val)

Gene: BARD1 (BRCA1 associated RING domain 1; minus strand). Cytogenetic location: 2q35.
Variant type: single nucleotide variant.
Coding change: c.139C>G on transcript NM_000465.4 (MANE Select); coding-DNA position 139, C replaced by G.
Protein change: p.Leu47Val; replaces leucine 47 with valine.
Molecular consequence: missense variant. On other transcripts: non-coding transcript variant (3).
Genome position (GRCh38, 1-based): chr2:214,809,431, G>C on the plus strand (C>G on the coding strand, the complement: BARD1 is on the minus strand). VCF-style: chr2-214809431-G-C. GRCh37 (hg19) VCF-style: chr2-215674155-G-C.
Other names: c.139C>G (NM_000465.2); c.139C>G, p.Leu47Val (NM_001282543.2, NM_001282545.2, NM_001282548.2 and 1 more transcripts); short protein forms L47V.
Identifiers: ClinVar variation 1019933 (VCV001019933.11), dbSNP rs1696454642, ClinGen allele CA350464828.